The following is an entry in ClinVar:

NM_153614.4(DNAJB13):c.577C>A (p.Arg193Ser)

Gene: DNAJB13 (DnaJ heat shock protein family (Hsp40) member B13; plus strand). Cytogenetic location: 11q13.4.
Variant type: single nucleotide variant.
Coding change: c.577C>A on transcript NM_153614.4 (MANE Select); coding-DNA position 577, C replaced by A.
Protein change: p.Arg193Ser; replaces arginine 193 with serine.
Molecular consequence: missense variant.
Genome position (GRCh38, 1-based): chr11:73,966,222, C>A. VCF-style: chr11-73966222-C-A. GRCh37 (hg19) VCF-style: chr11-73677267-C-A.
Other names: c.403C>A, p.Arg135Ser (NM_001377263.1); c.415C>A, p.Arg139Ser (NM_001441321.1); short protein forms R139S, R193S, R135S.
Identifiers: ClinVar variation 4767374 (VCV004767374.1).

ClinVar aggregate classification (germline): Uncertain significance (1 of 4 stars; one submission).

Submission:

Labcorp Genetics (formerly Invitae), Labcorp
Classification: Uncertain significance. Last evaluated: 2025-05-07. Review status: criteria provided, single submitter. Criteria: Invitae Variant Classification Sherloc (09022015). Collection method: clinical testing. Allele origin: germline.
Comment: This sequence change replaces arginine, which is basic and polar, with serine, which is neutral and polar, at codon 193 of the DNAJB13 protein (p.Arg193Ser). This variant is not present in population databases (gnomAD no frequency). This variant has not been reported in the literature in individuals affected with DNAJB13-related conditions. Invitae Evidence Modeling of protein sequence and biophysical properties (such as structural, functional, and spatial information, amino acid conservation, physicochemical variation, residue mobility, and thermodynamic stability) indicates that this missense variant is not expected to disrupt DNAJB13 protein function with a negative predictive value of 80%. In summary, the available evidence is currently insufficient to determine the role of this variant in disease. Therefore, it has been classified as a Variant of Uncertain Significance.